The following is an entry in ClinVar:

ClinVar aggregate classification (germline): Uncertain significance (1 of 4 stars; one submission).

Submission:

GeneDx
Classification: Uncertain significance. Last evaluated: 2026-02-07. Review status: criteria provided, single submitter. Criteria: GeneDx Variant Classification Process June 2021. Collection method: clinical testing. Allele origin: germline.
Comment: Not observed at significant frequency in large population cohorts (gnomAD); Nonsense variant predicted to result in protein truncation or nonsense mediated decay in a gene or region of a gene for which loss of function is not a well-established mechanism of disease; Has not been previously published as pathogenic or benign to our knowledge

NM_030787.4(CFHR5):c.637C>T (p.Gln213Ter)

Gene: CFHR5 (complement factor H related 5; plus strand). Cytogenetic location: 1q31.3.
Variant type: single nucleotide variant.
Coding change: c.637C>T on transcript NM_030787.4 (MANE Select); coding-DNA position 637, C replaced by T.
Protein change: p.Gln213Ter; replaces glutamine 213 with a stop codon.
Molecular consequence: nonsense.
Genome position (GRCh38, 1-based): chr1:196,995,746, C>T. VCF-style: chr1-196995746-C-T. GRCh37 (hg19) VCF-style: chr1-196964876-C-T.
Other names: short protein forms Q213*.
Identifiers: ClinVar variation 4975367 (VCV004975367.1).